The following is an entry in ClinVar:

ClinVar aggregate classification (germline): Uncertain significance (1 of 4 stars; one submission).

Conditions:
Glycogen storage disease due to lactate dehydrogenase M-subunit deficiency (GSD11). Also called: Glycogen storage disease XI; GSD XI; LACTATE DEHYDROGENASE A DEFICIENCY. Identifiers: Orphanet 284426, MedGen C2931743, MONDO:0013047, OMIM 612933.

Allele frequency attached by ClinVar (database versions not stated): TOPMed below 0.00001; gnomAD 0.00001.

Submission:

Labcorp Genetics (formerly Invitae), Labcorp
Classification: Uncertain significance for Glycogen storage disease due to lactate dehydrogenase M-subunit deficiency. Last evaluated: 2022-08-22. Review status: criteria provided, single submitter. Criteria: Invitae Variant Classification Sherloc (09022015). Collection method: clinical testing. Allele origin: germline.
Comment: In summary, the available evidence is currently insufficient to determine the role of this variant in disease. Therefore, it has been classified as a Variant of Uncertain Significance. Algorithms developed to predict the effect of missense changes on protein structure and function are either unavailable or do not agree on the potential impact of this missense change (SIFT: "Deleterious"; PolyPhen-2: "Benign"; Align-GVGD: "Class C0"). This variant has not been reported in the literature in individuals affected with LDHA-related conditions. This variant is present in population databases (rs754439498, gnomAD 0.0009%). This sequence change replaces proline, which is neutral and non-polar, with leucine, which is neutral and non-polar, at codon 129 of the LDHA protein (p.Pro129Leu).

NM_005566.4(LDHA):c.386C>T (p.Pro129Leu)

Gene: LDHA (lactate dehydrogenase A; plus strand). Cytogenetic location: 11p15.1.
Variant type: single nucleotide variant.
Coding change: c.386C>T on transcript NM_005566.4 (MANE Select); coding-DNA position 386, C replaced by T.
Protein change: p.Pro129Leu; replaces proline 129 with leucine.
Molecular consequence: missense variant. On other transcripts: non-coding transcript variant (1), intron variant (1).
Genome position (GRCh38, 1-based): chr11:18,400,978, C>T. VCF-style: chr11-18400978-C-T. GRCh37 (hg19) VCF-style: chr11-18422525-C-T.
Other names: c.473C>T, p.Pro158Leu (NM_001165414.2); c.386C>T, p.Pro129Leu (NM_001165415.2, NM_001165416.2); c.244+1430C>T (NM_001135239.2); short protein forms P129L, P158L.
Identifiers: ClinVar variation 2191732 (VCV002191732.4), dbSNP rs754439498, ClinGen allele CA5911276.